The following is an entry in ClinVar:

ClinVar aggregate classification (germline): Uncertain significance. Review status: criteria provided, single submitter (1 of 4 stars). 2 submissions from 2 submitters: Uncertain significance (1). 1 of the submissions does not count toward it. Last evaluated 2020-05-11.

Conditions:
Microcephaly, normal intelligence and immunodeficiency (NBS). Also called: BERLIN BREAKAGE SYNDROME; SEEMANOVA SYNDROME II; Immunodeficiency, microcephaly with normal intelligence; Nijmegen breakage syndrome; Microcephaly with normal intelligence immunodeficiency and lymphoreticular malignancies; Nonsyndromal microcephaly autosomal recessive with normal intelligence. Identifiers: Orphanet 647, MedGen C0398791, MONDO:0009623, OMIM 251260.

Submissions (2):

Labcorp Genetics (formerly Invitae), Labcorp
Classification: Uncertain significance for Microcephaly, normal intelligence and immunodeficiency. Last evaluated: 2020-05-11. Review status: criteria provided, single submitter. Criteria: Invitae Variant Classification Sherloc (09022015). Collection method: clinical testing. Allele origin: germline.
Comment: This variant has not been reported in the literature in individuals with NBN-related conditions. In summary, the available evidence is currently insufficient to determine the role of this variant in disease. Therefore, it has been classified as a Variant of Uncertain Significance. Algorithms developed to predict the effect of missense changes on protein structure and function output the following: SIFT: "Tolerated"; PolyPhen-2: "Benign"; Align-GVGD: "Class C0". The leucine amino acid residue is found in multiple mammalian species, suggesting that this missense change does not adversely affect protein function. These predictions have not been confirmed by published functional studies and their clinical significance is uncertain. This variant is not present in population databases (ExAC no frequency). This sequence change replaces valine with leucine at codon 47 of the NBN protein (p.Val47Leu). The valine residue is moderately conserved and there is a small physicochemical difference between valine and leucine.

Natera, Inc.
Classification: Uncertain significance for Nijmegen breakage syndrome. Last evaluated: 2021-02-16. Review status: no assertion criteria provided. Collection method: clinical testing. Allele origin: germline. Not counted in ClinVar's aggregate classification.

NM_002485.5(NBN):c.139G>C (p.Val47Leu)

Gene: NBN (nibrin; minus strand). Cytogenetic location: 8q21.3.
Variant type: single nucleotide variant.
Coding change: c.139G>C on transcript NM_002485.5 (MANE Select); coding-DNA position 139, G replaced by C.
Protein change: p.Val47Leu; replaces valine 47 with leucine.
Molecular consequence: missense variant. On other transcripts: 5 prime UTR variant (1).
Genome position (GRCh38, 1-based): chr8:89,982,754, C>G on the plus strand (G>C on the coding strand, the complement: NBN is on the minus strand). VCF-style: chr8-89982754-C-G. GRCh37 (hg19) VCF-style: chr8-90994982-C-G.
Other names: c.-158G>C (NM_001024688.3); short protein forms V47L.
Identifiers: ClinVar variation 1063928 (VCV001063928.13), dbSNP rs876658446, ClinGen allele CA371663008.